The following is an entry in ClinVar:

ClinVar aggregate classification (germline): Uncertain significance (1 of 4 stars; one submission).

Conditions:
Early-infantile DEE. Also called: Early infantile epileptic encephalopathy; Ohtahara syndrome; Early infantile epileptic encephalopathy with suppression bursts. Identifiers: Orphanet 1934, MedGen C0393706, MONDO:0800491.

gnomAD v4.1: 5 of 1,614,130 alleles (0.00031%); highest among the groups gnomAD compares: Non-Finnish European, 0.00042%; no homozygotes.

Submission:

Labcorp Genetics (formerly Invitae), Labcorp
Classification: Uncertain significance for Early-infantile DEE. Last evaluated: 2024-04-27. Review status: criteria provided, single submitter. Criteria: Invitae Variant Classification Sherloc (09022015). Collection method: clinical testing. Allele origin: germline.
Comment: This sequence change replaces arginine, which is basic and polar, with glutamine, which is neutral and polar, at codon 733 of the SPTAN1 protein (p.Arg733Gln). This variant is not present in population databases (gnomAD no frequency). This variant has not been reported in the literature in individuals affected with SPTAN1-related conditions. Advanced modeling of protein sequence and biophysical properties (such as structural, functional, and spatial information, amino acid conservation, physicochemical variation, residue mobility, and thermodynamic stability) has been performed at Invitae for this missense variant, however the output from this modeling did not meet the statistical confidence thresholds required to predict the impact of this variant on SPTAN1 protein function. In summary, the available evidence is currently insufficient to determine the role of this variant in disease. Therefore, it has been classified as a Variant of Uncertain Significance.

NM_001130438.3(SPTAN1):c.2198G>A (p.Arg733Gln)

Gene: SPTAN1 (spectrin alpha, non-erythrocytic 1; plus strand). Cytogenetic location: 9q34.11.
Variant type: single nucleotide variant.
Coding change: c.2198G>A on transcript NM_001130438.3 (MANE Select); coding-DNA position 2198, G replaced by A.
Protein change: p.Arg733Gln; replaces arginine 733 with glutamine.
Molecular consequence: missense variant.
Genome position (GRCh38, 1-based): chr9:128,584,286, G>A. VCF-style: chr9-128584286-G-A. GRCh37 (hg19) VCF-style: chr9-131346565-G-A.
Other names: c.2198G>A, p.Arg733Gln (NM_001195532.2, NM_001363759.2, NM_001363765.2 and 5 more transcripts); c.2234G>A, p.Arg745Gln (NM_001375312.2, NM_001375318.1); short protein forms R733Q, R745Q.
Identifiers: ClinVar variation 3635904 (VCV003635904.2).